The following is an entry in ClinVar:

ClinVar aggregate classification (germline): Likely pathogenic (1 of 4 stars; one submission).

Conditions:
Noonan syndrome 4 (NS4). Also called: NOONAN SYNDROME WITH PIGMENTED VILLONODULAR SYNOVITIS; SOS1-Related Noonan Syndrome. Identifiers: Orphanet 648, MedGen C1853120, MONDO:0012547, OMIM 610733.

Submission:

Clinical Genomics Laboratory, Washington University in St. Louis
Classification: Likely pathogenic for Noonan syndrome 4. Last evaluated: 2024-12-18. Review status: criteria provided, single submitter. Criteria: Leon-Quintero et al. (Clin Genet. 2025). Collection method: clinical testing. Allele origin: somatic. Affected: yes.
Comment: A SOS1 c.1290_1294delinsGGGAATATTCAGAAGAATATTGA (p.Asp430_Trp432delinsGluGlyIlePheArgArgIleLeuArg) variant was identified at an allelic fraction consistent with somatic origin. This complex delins variant is predicted to cause a change in the length of the protein due to an insertion of nine amino acids in a non-repeat region. To our knowledge, this exact variant has not been reported in the medical literature but other in frame indels in this region have been identified in individuals with Noonan syndrome (Lepri F et al., PMID: 21387466). This variant resides within the PH domain of SOS1 that stabilizes its inhibitory conformation and that is defined as a critical functional domain (Lepri F et al., PMID: 21387466; Gelb BD et al., PMID: 29493581 v2.3.0). This variant is absent from the general population (gnomAD v.4.1.0), indicating it is not a common variant and.Based on available information and an internally developed protocol informed by the ACMG/AMP guidelines for variant interpretation and gene-specific practices from the ClinGen Criteria Specification Registry (Leon-Quintero FZ et al., PMID: 39434542), the SOS1 c.1290_1294delinsGGGAATATTCAGAAGAATATTGA (p.Asp430_Trp432delinsGluGlyIlePheArgArgIleLeuArg) variant is classified as likely pathogenic.

NM_005633.4(SOS1):c.1290_1294delinsGGGAATATTCAGAAGAATATTGA (p.Asp430_Trp432delinsGluGlyIlePheArgArgIleLeuArg)

Gene: SOS1 (SOS Ras/Rac guanine nucleotide exchange factor 1; minus strand). Cytogenetic location: 2p22.1.
Variant type: Indel.
Coding change: c.1290_1294delinsGGGAATATTCAGAAGAATATTGA on transcript NM_005633.4 (MANE Select); coding-DNA positions 1290 to 1294, TGGTT replaced by GGGAATATTCAGAAGAATATTGA.
Protein change: p.Asp430_Trp432delinsGluGlyIlePheArgArgIleLeuArg.
Molecular consequence: inframe indel.
Genome position (GRCh38, 1-based): chr2:39,023,134-39,023,138, AACCA replaced by TCAATATTCTTCTGAATATTCCC on the plus strand (TGGTT replaced by GGGAATATTCAGAAGAATATTGA on the coding strand, the reverse complement: SOS1 is on the minus strand). VCF-style: chr2-39023134-AACCA-TCAATATTCTTCTGAATATTCCC. GRCh37 (hg19) VCF-style: chr2-39250275-AACCA-TCAATATTCTTCTGAATATTCCC.
Other names: c.1269_1273delinsGGGAATATTCAGAAGAATATTGA, p.Asp423_Trp425delinsGluGlyIlePheArgArgIleLeuArg (NM_001382394.1); c.1290_1294delinsGGGAATATTCAGAAGAATATTGA, p.Asp430_Trp432delinsGluGlyIlePheArgArgIleLeuArg (NM_001382395.1).
Identifiers: ClinVar variation 3774493 (VCV003774493.1).